The following is an entry in ClinVar:

ClinVar aggregate classification (germline): Uncertain significance (0 of 4 stars; one submission).

Conditions:
Hypogonadotropic hypogonadism 3 with or without anosmia (HH3). Also called: PROKR2-Related GnRH Deficiency (Kallmann Syndrome 3); HYPOGONADOTROPIC HYPOGONADISM 3 WITH ANOSMIA. Identifiers: Orphanet 478, MedGen C3550478, MONDO:0009482, OMIM 244200.

gnomAD v4.1: 2 of 1,614,228 alleles (0.00012%); no homozygotes.

Submission:

Genetics Department, Polish Mother's Memorial Hospital Research Institute
Classification: Uncertain significance for Hypogonadotropic hypogonadism 3 with or without anosmia. Last evaluated: 2019-06-11. Review status: no assertion criteria provided. Collection method: research. Allele origin: paternal. Affected: yes.
Comment: variant was observed in trigenic combination with variant in SPRY4 gene (ClinVar:RCV000043614.3) and variant in NSMF gene (NM_001130969.1:c.1261C>T, MIM:244200) in oligogenic pattern of inheritance for idiopatic hypogonadotropic hypogonadism/Kallmann syndrome

NM_144773.4(PROKR2):c.889G>T (p.Val297Phe)

Gene: PROKR2 (prokineticin receptor 2; minus strand). Cytogenetic location: 20p12.3.
Variant type: single nucleotide variant.
Coding change: c.889G>T on transcript NM_144773.4 (MANE Select); coding-DNA position 889, G replaced by T.
Protein change: p.Val297Phe; replaces valine 297 with phenylalanine.
Molecular consequence: missense variant.
Genome position (GRCh38, 1-based): chr20:5,302,306, C>A on the plus strand (G>T on the coding strand, the complement: PROKR2 is on the minus strand). VCF-style: chr20-5302306-C-A. GRCh37 (hg19) VCF-style: chr20-5282952-C-A.
Other names: short protein forms V297F.
Identifiers: ClinVar variation 638189 (VCV000638189.3), dbSNP rs139399061, ClinGen allele CA408166728.